The following is an entry in ClinVar:

ClinVar aggregate classification (germline): Conflicting classifications of pathogenicity. Review status: criteria provided, conflicting classifications (1 of 4 stars). 5 submissions from 5 submitters: Likely pathogenic (1); Uncertain significance (3). 1 of the submissions does not count toward it. Last evaluated 2025-03-06.

Conditions:
BBS10-related disorder. Also called: BBS10-related condition.
Bardet-Biedl syndrome (BBS). Identifiers: Orphanet 110, MedGen C0752166, MONDO:0015229.
Bardet-Biedl syndrome 10 (BBS10). Identifiers: Orphanet 110, MedGen C1859568, MONDO:0014438, OMIM 615987.

Allele frequency attached by ClinVar (database versions not stated): gnomAD 0.00001; TOPMed 0.00001.
gnomAD v4.1: 9 of 1,602,206 alleles (0.00056%); highest among the groups gnomAD compares: Admixed American, 0.0017%; no homozygotes.

Submissions (5):

Natera, Inc.
Classification: Likely pathogenic for Bardet-Biedl syndrome type 10. Last evaluated: 2025-03-06. Review status: criteria provided, single submitter. Criteria: Natera Variant Classification Schema (03/2026). Collection method: clinical testing. Allele origin: germline.
Comment: The c.226C>T variant in BBS10 is a missense variant predicted to cause substitution of leucine to phenylalanine at amino acid 76. This variant is rare in the general population with a frequency below the threshold expected for the associated phenotype(s). This variant has been observed in one or more individuals affected with the associated recessive disease, as either homozygous or compound heterozygous with a second variant (PMID: 38219857, 34940782). Additionally, this variant has been observed to segregate in affected family members (PMID: 34940782). Computational prediction algorithms indicate this variant is likely to affect gene or protein function. Given the available evidence, this variant is classified as Likely Pathogenic.

Women's Health and Genetics/Laboratory Corporation of America, LabCorp
Classification: Uncertain significance. Last evaluated: 2023-08-18. Review status: criteria provided, single submitter. Criteria: LabCorp Variant Classification Summary - May 2015. Collection method: clinical testing. Allele origin: germline.
Comment: Variant summary: BBS10 c.226C>T (p.Leu76Phe) results in a non-conservative amino acid change in the encoded protein sequence. Four of four in-silico tools predict a damaging effect of the variant on protein function. The variant allele was found at a frequency of 4.2e-06 in 239424 control chromosomes (gnomAD). c.226C>T has been reported in the literature in two compound heterozygous individuals affected with retinal degeneration (Grudzinska Pechhacker_2021). These data indicate that the variant may be associated with disease. To our knowledge, no experimental evidence demonstrating an impact on protein function has been reported. The following publications have been ascertained in the context of this evaluation (PMID: 34940782, 36312387). Two submitters have cited clinical-significance assessments for this variant to ClinVar after 2014. All submitters classified the variant as uncertain significance. Based on the evidence outlined above, the variant was classified as VUS-possibly pathogenic.

Blueprint Genetics
Classification: Uncertain significance. Last evaluated: 2021-06-02. Review status: criteria provided, single submitter. Criteria: ACMG Guidelines, 2015. Collection method: clinical testing. Allele origin: germline.

Labcorp Genetics (formerly Invitae), Labcorp
Classification: Uncertain significance for Bardet-Biedl syndrome. Last evaluated: 2019-09-21. Review status: criteria provided, single submitter. Criteria: Invitae Variant Classification Sherloc (09022015). Collection method: clinical testing. Allele origin: germline.
Comment: This sequence change replaces leucine with phenylalanine at codon 76 of the BBS10 protein (p.Leu76Phe). The leucine residue is highly conserved and there is a small physicochemical difference between leucine and phenylalanine. This variant is not present in population databases (ExAC no frequency). This variant has not been reported in the literature in individuals with BBS10-related conditions. Algorithms developed to predict the effect of missense changes on protein structure and function are either unavailable or do not agree on the potential impact of this missense change (SIFT: "Tolerated"; PolyPhen-2: "Probably Damaging"; Align-GVGD: "Class C0"). In summary, the available evidence is currently insufficient to determine the role of this variant in disease. Therefore, it has been classified as a Variant of Uncertain Significance.

PreventionGenetics, part of Exact Sciences
Classification: Uncertain significance for BBS10-related condition. Last evaluated: 2023-11-10. Review status: no assertion criteria provided. Collection method: clinical testing. Allele origin: germline. Not counted in ClinVar's aggregate classification.
Comment: The BBS10 c.226C>T variant is predicted to result in the amino acid substitution p.Leu76Phe. This variant along with a second variant in this gene was reported in two individuals with Bardet-Biedl syndrome (Grudzinska Pechhacker et al 2021. PubMed ID: 34940782). This variant is reported in 0.0029% of alleles in individuals of Latino descent in gnomAD. This variant could be pathogenic. At this time, the clinical significance of this variant is uncertain due to the absence of conclusive functional and genetic evidence.

Literature cited by the submitters: PubMed 38219857 (cited by Natera, Inc.); PubMed 34940782 (cited by Natera, Inc. and Women's Health and Genetics/Laboratory Corporation of America, LabCorp); PubMed 36312387 (cited by Women's Health and Genetics/Laboratory Corporation of America, LabCorp).

NM_024685.4(BBS10):c.226C>T (p.Leu76Phe)

Gene: BBS10 (Bardet-Biedl syndrome 10; minus strand). Cytogenetic location: 12q21.2.
Variant type: single nucleotide variant.
Coding change: c.226C>T on transcript NM_024685.4 (MANE Select); coding-DNA position 226, C replaced by T.
Protein change: p.Leu76Phe; replaces leucine 76 with phenylalanine.
Molecular consequence: missense variant.
Genome position (GRCh38, 1-based): chr12:76,347,759, G>A on the plus strand (C>T on the coding strand, the complement: BBS10 is on the minus strand). VCF-style: chr12-76347759-G-A. GRCh37 (hg19) VCF-style: chr12-76741539-G-A.
Other names: short protein forms L76F.
Identifiers: ClinVar variation 956738 (VCV000956738.14), dbSNP rs767638924, ClinGen allele CA385815970.